The following is an entry in ClinVar:

NM_033124.5(DRC2):c.340G>C (p.Ala114Pro)

Gene: DRC2 (dynein regulatory complex subunit 2; plus strand). Cytogenetic location: 12q13.12.
Variant type: single nucleotide variant.
Coding change: c.340G>C on transcript NM_033124.5 (MANE Select); coding-DNA position 340, G replaced by C.
Protein change: p.Ala114Pro; replaces alanine 114 with proline.
Molecular consequence: missense variant. On other transcripts: 5 prime UTR variant (1).
Genome position (GRCh38, 1-based): chr12:48,914,443, G>C. VCF-style: chr12-48914443-G-C. GRCh37 (hg19) VCF-style: chr12-49308226-G-C.
Other names: c.-90G>C (NM_001286957.2); c.340G>C (NM_033124.4); short protein forms A114P.
Identifiers: ClinVar variation 2157433 (VCV002157433.3), dbSNP rs543578641, ClinGen allele CA6543214.

ClinVar aggregate classification (germline): Uncertain significance. Review status: criteria provided, multiple submitters, no conflicts (2 of 4 stars). 2 submissions from 2 submitters: Uncertain significance (2). Last evaluated 2025-11-08.

Conditions:
Inborn genetic diseases. Identifiers: MedGen C0950123, MeSH D030342.
Primary ciliary dyskinesia 27. Also called: CILIARY DYSKINESIA, PRIMARY, 27, WITHOUT SITUS INVERSUS. Identifiers: Orphanet 244, MedGen C3809701, MONDO:0014215, OMIM 615504.

Allele frequency attached by ClinVar (database versions not stated): 1000 Genomes Project 0.00020; 1000 Genomes Project 30x 0.00016.
gnomAD v4.1: 19 of 1,613,818 alleles (0.0012%); highest among the groups gnomAD compares: African/African-American, 0.015%; no homozygotes.

Submissions (2):

Labcorp Genetics (formerly Invitae), Labcorp
Classification: Uncertain significance for Primary ciliary dyskinesia 27. Last evaluated: 2025-11-08. Review status: criteria provided, single submitter. Criteria: Invitae Variant Classification Sherloc (09022015). Collection method: clinical testing. Allele origin: germline.
Comment: This sequence change replaces alanine, which is neutral and non-polar, with proline, which is neutral and non-polar, at codon 114 of the CCDC65 protein (p.Ala114Pro). This variant is present in population databases (rs543578641, gnomAD 0.01%). This variant has not been reported in the literature in individuals affected with CCDC65-related conditions. ClinVar contains an entry for this variant (Variation ID: 2157433). An algorithm developed to predict the effect of missense changes on protein structure and function (PolyPhen-2) suggests that this variant is likely to be disruptive. In summary, the available evidence is currently insufficient to determine the role of this variant in disease. Therefore, it has been classified as a Variant of Uncertain Significance.

Ambry Genetics
Classification: Uncertain significance for Inborn genetic diseases. Last evaluated: 2023-12-15. Review status: criteria provided, single submitter. Criteria: Ambry Variant Classification Scheme 2023. Collection method: clinical testing. Allele origin: germline.